The following is an entry in ClinVar:

NM_006623.4(PHGDH):c.218_219insTT (p.Gly74fs)

Gene: PHGDH (phosphoglycerate dehydrogenase; plus strand). Cytogenetic location: 1p12.
Variant type: Insertion.
Coding change: c.218_219insTT on transcript NM_006623.4 (MANE Select); coding-DNA positions 218 to 219, TT inserted.
Protein change: p.Gly74fs; shifts the reading frame from glycine 74.
Molecular consequence: frameshift variant.
Genome position: GRCh38 VCF-style: chr1-119721248-G-GTT. GRCh37 (hg19) VCF-style: chr1-120263871-G-GTT.
Other names: short protein forms G74fs.
Identifiers: ClinVar variation 2830165 (VCV002830165.3), dbSNP rs1433746199, ClinGen allele CA886275766.

ClinVar aggregate classification (germline): Pathogenic (1 of 4 stars; one submission).

Conditions:
PHGDH deficiency. Identifiers: Orphanet 79351, MedGen C1866174, MONDO:0011152, OMIM 601815.

Submission:

Labcorp Genetics (formerly Invitae), Labcorp
Classification: Pathogenic for PHGDH deficiency. Last evaluated: 2023-01-19. Review status: criteria provided, single submitter. Criteria: Invitae Variant Classification Sherloc (09022015). Collection method: clinical testing. Allele origin: germline.
Comment: For these reasons, this variant has been classified as Pathogenic. This variant has not been reported in the literature in individuals affected with PHGDH-related conditions. This variant is not present in population databases (gnomAD no frequency). This sequence change creates a premature translational stop signal (p.Gly74Trpfs*24) in the PHGDH gene. It is expected to result in an absent or disrupted protein product. Loss-of-function variants in PHGDH are known to be pathogenic (PMID: 14645240, 24836451).

Literature cited by the submitters: PubMed 14645240; PubMed 24836451.